The following is an entry in ClinVar:

ClinVar aggregate classification (germline): Conflicting classifications of pathogenicity. Review status: criteria provided, conflicting classifications (1 of 4 stars). 2 submissions from 2 submitters: Uncertain significance (1); Likely benign (1). Last evaluated 2024-05-30.

gnomAD v4.1: 39 of 1,614,228 alleles (0.0024%); highest among the groups gnomAD compares: Admixed American, 0.01%; no homozygotes.

Submissions (2):

Blueprint Genetics
Classification: Likely benign. Last evaluated: 2024-05-30. Review status: criteria provided, single submitter. Criteria: ACMG Guidelines, 2015. Collection method: clinical testing. Allele origin: germline.

Labcorp Genetics (formerly Invitae), Labcorp
Classification: Uncertain significance. Last evaluated: 2024-03-22. Review status: criteria provided, single submitter. Criteria: Invitae Variant Classification Sherloc (09022015). Collection method: clinical testing. Allele origin: germline.
Comment: This sequence change replaces proline, which is neutral and non-polar, with leucine, which is neutral and non-polar, at codon 951 of the ARHGEF10 protein (p.Pro951Leu). This variant is present in population databases (rs776643949, gnomAD 0.009%). This variant has not been reported in the literature in individuals affected with ARHGEF10-related conditions. Advanced modeling of protein sequence and biophysical properties (such as structural, functional, and spatial information, amino acid conservation, physicochemical variation, residue mobility, and thermodynamic stability) performed at Invitae indicates that this missense variant is not expected to disrupt ARHGEF10 protein function with a negative predictive value of 80%. In summary, the available evidence is currently insufficient to determine the role of this variant in disease. Therefore, it has been classified as a Variant of Uncertain Significance.

NM_014629.4(ARHGEF10):c.2852C>T (p.Pro951Leu)

Gene: ARHGEF10 (Rho guanine nucleotide exchange factor 10; plus strand). Cytogenetic location: 8p23.3.
Variant type: single nucleotide variant.
Coding change: c.2852C>T on transcript NM_014629.4 (MANE Select); coding-DNA position 2852, C replaced by T.
Protein change: p.Pro951Leu; replaces proline 951 with leucine.
Molecular consequence: missense variant.
Genome position (GRCh38, 1-based): chr8:1,928,581, C>T. VCF-style: chr8-1928581-C-T. GRCh37 (hg19) VCF-style: chr8-1876747-C-T.
Other names: c.2738C>T, p.Pro913Leu (NM_001308152.2); c.2852C>T, p.Pro951Leu (NM_001308153.3); short protein forms P913L, P951L, P975L.
Identifiers: ClinVar variation 3628339 (VCV003628339.3).